The following is an entry in ClinVar:

ClinVar aggregate classification (germline): Pathogenic/Likely pathogenic. Review status: criteria provided, multiple submitters, no conflicts (2 of 4 stars). 2 submissions from 2 submitters: Pathogenic (1); Likely pathogenic (1). Last evaluated 2024-08-29.

Conditions:
TRAPPC2-related disorder. Also called: TRAPPC2-related condition.

Submissions (2):

Labcorp Genetics (formerly Invitae), Labcorp
Classification: Likely pathogenic. Last evaluated: 2024-08-29. Review status: criteria provided, single submitter. Criteria: Invitae Variant Classification Sherloc (09022015). Collection method: clinical testing. Allele origin: germline.
Comment: This sequence change replaces serine, which is neutral and polar, with leucine, which is neutral and non-polar, at codon 73 of the TRAPPC2 protein (p.Ser73Leu). This variant is not present in population databases (gnomAD no frequency). This missense change has been observed in individuals with spondyloepiphyseal dysplasia tarda (PMID: 11349230, 18247296). It has also been observed to segregate with disease in related individuals. An algorithm developed to predict the effect of missense changes on protein structure and function (PolyPhen-2) suggests that this variant is likely to be disruptive. Experimental studies have shown that this missense change affects TRAPPC2 function (PMID: 19650763, 20498720). In summary, the currently available evidence indicates that the variant is pathogenic, but additional data are needed to prove that conclusively. Therefore, this variant has been classified as Likely Pathogenic.

Blueprint Genetics
Classification: Pathogenic for TRAPPC2-related disorders. Last evaluated: 2022-12-30. Review status: criteria provided, single submitter. Criteria: ACMG Guidelines, 2015. Collection method: clinical testing. Allele origin: germline. Affected: yes. Observed: 2 variant alleles.

Literature cited by the submitters: PubMed 11349230 (cited by Labcorp Genetics (formerly Invitae), Labcorp); PubMed 18247296 (cited by Labcorp Genetics (formerly Invitae), Labcorp); PubMed 19650763 (cited by Labcorp Genetics (formerly Invitae), Labcorp); PubMed 20498720 (cited by Labcorp Genetics (formerly Invitae), Labcorp).

NM_001011658.4(TRAPPC2):c.218C>T (p.Ser73Leu)

Genes: OFD1 (OFD1 centriole and centriolar satellite protein; plus strand), TRAPPC2 (trafficking protein particle complex subunit 2; minus strand). Cytogenetic location: Xp22.2.
Variant type: single nucleotide variant.
Coding change: c.218C>T on transcript NM_001011658.4 (MANE Select); coding-DNA position 218, C replaced by T.
Protein change: p.Ser73Leu; replaces serine 73 with leucine.
Molecular consequence: missense variant.
Genome position (GRCh38, 1-based): chrX:13,716,554, G>A on the plus strand (C>T on the coding strand, the complement: TRAPPC2 is on the minus strand). VCF-style: chrX-13716554-G-A. GRCh37 (hg19) VCF-style: chrX-13734673-G-A.
Other names: c.320C>T, p.Ser107Leu (NM_001128835.3); c.218C>T, p.Ser73Leu (NM_014563.6); short protein forms S107L, S73L.
Identifiers: ClinVar variation 2737082 (VCV002737082.4), dbSNP rs2146775487, ClinGen allele CA412325701.